The following is an entry in ClinVar:

NM_006231.4(POLE):c.683A>G (p.Tyr228Cys)

Gene: POLE (DNA polymerase epsilon, catalytic subunit; minus strand). Cytogenetic location: 12q24.33.
Variant type: single nucleotide variant.
Coding change: c.683A>G on transcript NM_006231.4 (MANE Select); coding-DNA position 683, A replaced by G.
Protein change: p.Tyr228Cys; replaces tyrosine 228 with cysteine.
Molecular consequence: missense variant.
Genome position (GRCh38, 1-based): chr12:132,677,615, T>C on the plus strand (A>G on the coding strand, the complement: POLE is on the minus strand). VCF-style: chr12-132677615-T-C. GRCh37 (hg19) VCF-style: chr12-133254201-T-C.
Other names: c.683A>G (NM_006231.2); short protein forms Y228C.
Identifiers: ClinVar variation 540734 (VCV000540734.6), dbSNP rs1555229669, ClinGen allele CA387364786.

ClinVar aggregate classification (germline): Uncertain significance. Review status: criteria provided, multiple submitters, no conflicts (2 of 4 stars). 2 submissions from 2 submitters: Uncertain significance (2). Last evaluated 2025-03-26.

Conditions:
Hereditary cancer-predisposing syndrome. Also called: Neoplastic Syndromes, Hereditary; Hereditary Cancer Syndrome; Hereditary neoplastic syndrome; Tumor predisposition. Identifiers: Orphanet 140162, MedGen C0027672, MeSH D009386, MONDO:0015356.

Submissions (2):

Ambry Genetics
Classification: Uncertain significance for Hereditary cancer-predisposing syndrome. Last evaluated: 2025-03-26. Review status: criteria provided, single submitter. Criteria: Ambry Variant Classification Scheme 2023. Collection method: clinical testing. Allele origin: germline.
Comment: The p.Y228C variant (also known as c.683A>G), located in coding exon 7 of the POLE gene, results from an A to G substitution at nucleotide position 683. The tyrosine at codon 228 is replaced by cysteine, an amino acid with highly dissimilar properties. This amino acid position is highly conserved in available vertebrate species. In addition, the in silico prediction for this alteration is inconclusive. Based on the available evidence, the clinical significance of this variant remains unclear.

Labcorp Genetics (formerly Invitae), Labcorp
Classification: Uncertain significance. Last evaluated: 2024-06-06. Review status: criteria provided, single submitter. Criteria: Invitae Variant Classification Sherloc (09022015). Collection method: clinical testing. Allele origin: germline.
Comment: This sequence change replaces tyrosine, which is neutral and polar, with cysteine, which is neutral and slightly polar, at codon 228 of the POLE protein (p.Tyr228Cys). This variant is not present in population databases (gnomAD no frequency). This variant has not been reported in the literature in individuals affected with POLE-related conditions. ClinVar contains an entry for this variant (Variation ID: 540734). Advanced modeling of protein sequence and biophysical properties (such as structural, functional, and spatial information, amino acid conservation, physicochemical variation, residue mobility, and thermodynamic stability) performed at Invitae indicates that this missense variant is expected to disrupt POLE protein function with a positive predictive value of 80%. In summary, the available evidence is currently insufficient to determine the role of this variant in disease. Therefore, it has been classified as a Variant of Uncertain Significance.